The following is an entry in ClinVar:

ClinVar aggregate classification (germline): Benign/Likely benign. Review status: criteria provided, multiple submitters, no conflicts (2 of 4 stars). 4 submissions from 4 submitters: Benign (2); Likely benign (1). 1 of the submissions does not count toward it. Last evaluated 2026-01-06.

Conditions:
MCM4-related disorder. Also called: MCM4-related condition.
Primary immunodeficiency with natural-killer cell deficiency and adrenal insufficiency (IMD54). Also called: Natural killer cell and glucocorticoid deficiency with DNA repair defect; IMMUNODEFICIENCY 54. Identifiers: Orphanet 75391, MedGen C1864947, MONDO:0012383, OMIM 609981.

Allele frequency attached by ClinVar (database versions not stated): gnomAD exomes 0.00023 and 0.00066; ExAC 0.00124; ESP Exome Variant Server 0.00269; gnomAD 0.00295 and 0.00313; TOPMed 0.00298; 1000 Genomes Project 0.00339; 1000 Genomes Project 30x 0.00437.
gnomAD v4.1: 794 of 1,602,000 alleles (0.05%); highest among the groups gnomAD compares: African/African-American, 0.95%; 4 homozygotes.

Submissions (4):

Labcorp Genetics (formerly Invitae), Labcorp
Classification: Benign. Last evaluated: 2026-01-06. Review status: criteria provided, single submitter. Criteria: Invitae Variant Classification Sherloc (09022015). Collection method: clinical testing. Allele origin: germline.

Blueprint Genetics
Classification: Likely benign. Last evaluated: 2024-09-04. Review status: criteria provided, single submitter. Criteria: ACMG Guidelines, 2015. Collection method: clinical testing. Allele origin: germline.

Illumina Laboratory Services, Illumina
Classification: Benign for Primary immunodeficiency with natural-killer cell deficiency and adrenal insufficiency. Last evaluated: 2018-01-13. Review status: criteria provided, single submitter. Criteria: ICSL Variant Classification Criteria 13 December 2019. Collection method: clinical testing. Allele origin: germline.
Comment: This variant was observed in the ICSL laboratory as part of a predisposition screen in an ostensibly healthy population. It had not been previously curated by ICSL or reported in the Human Gene Mutation Database (HGMD: prior to June 1st, 2018), and was therefore a candidate for classification through an automated scoring system. Utilizing variant allele frequency, disease prevalence and penetrance estimates, and inheritance mode, an automated score was calculated to assess if this variant is too frequent to cause the disease. Based on the score and internal cut-off values, a variant classified as benign is not then subjected to further curation. The score for this variant resulted in a classification of benign for this disease.

PreventionGenetics, part of Exact Sciences
Classification: Benign for MCM4-related condition. Last evaluated: 2019-07-10. Review status: no assertion criteria provided. Collection method: clinical testing. Allele origin: germline. Not counted in ClinVar's aggregate classification.
Comment: This variant is classified as benign based on ACMG/AMP sequence variant interpretation guidelines (Richards et al. 2015 PMID: 25741868, with internal and published modifications).

NM_182746.3(MCM4):c.1053+4C>T

Gene: MCM4 (minichromosome maintenance complex component 4; plus strand). Cytogenetic location: 8q11.21.
Variant type: single nucleotide variant.
Coding change: c.1053+4C>T on transcript NM_182746.3 (MANE Select); 4 bases into the intron after coding-DNA position 1053, C replaced by T.
Molecular consequence: intron variant.
Genome position (GRCh38, 1-based): chr8:47,966,411, C>T. VCF-style: chr8-47966411-C-T. GRCh37 (hg19) VCF-style: chr8-48878971-C-T.
Other names: c.1053+4C>T (NM_005914.4).
Identifiers: ClinVar variation 712807 (VCV000712807.17), dbSNP rs17334395, ClinGen allele CA4742491.